The following is an entry in ClinVar:

ClinVar aggregate classification (germline): Likely benign. Review status: criteria provided, multiple submitters, no conflicts (2 of 4 stars). 2 submissions from 2 submitters: Likely benign (2). Last evaluated 2026-08-20.

Conditions:
MKS1-related disorder. Also called: MKS1-related condition; MKS1-related disorders. Identifiers: MedGen CN239382.
Meckel-Gruber syndrome. Also called: Dysencephalia splachnocystica; DYSENCEPHALIA SPLANCHNOCYSTICA; GRUBER SYNDROME. Identifiers: Orphanet 564, MedGen C0265215, MONDO:0018921.
Joubert syndrome. Also called: Familial aplasia of the vermis; JOUBERT-BOLTSHAUSER SYNDROME. Identifiers: Orphanet 475, MedGen C5979921, MONDO:0018772.

Allele frequency attached by ClinVar (database versions not stated): gnomAD exomes below 0.00001.
gnomAD v4.1: 2 of 1,614,150 alleles (0.00012%); highest among the groups gnomAD compares: South Asian, 0.0022%; no homozygotes.

Submissions (2):

PreventionGenetics, part of Exact Sciences
Classification: Likely benign for MKS1-related condition. Last evaluated: 2026-08-20. Review status: criteria provided, single submitter. Criteria: ACMG Guidelines, 2015. Collection method: clinical testing. Allele origin: germline.
Comment: This variant is classified as likely benign based on ACMG/AMP sequence variant interpretation guidelines (Richards et al. 2015 PMID: 25741868, with internal and published modifications).

Labcorp Genetics (formerly Invitae), Labcorp
Classification: Likely benign for Joubert syndrome; Meckel-Gruber syndrome. Last evaluated: 2023-05-26. Review status: criteria provided, single submitter. Criteria: Invitae Variant Classification Sherloc (09022015). Collection method: clinical testing. Allele origin: germline.

NM_017777.4(MKS1):c.843G>T (p.Arg281=)

Gene: MKS1 (MKS transition zone complex subunit 1; minus strand). Cytogenetic location: 17q22.
Variant type: single nucleotide variant.
Coding change: c.843G>T on transcript NM_017777.4 (MANE Select); coding-DNA position 843, G replaced by T.
Protein change: p.Arg281=; no amino-acid change (arginine 281 retained).
Molecular consequence: synonymous variant.
Genome position (GRCh38, 1-based): chr17:58,212,997, C>A on the plus strand (G>T on the coding strand, the complement: MKS1 is on the minus strand). VCF-style: chr17-58212997-C-A. GRCh37 (hg19) VCF-style: chr17-56290358-C-A.
Other names: c.234G>T, p.Arg78= (NM_001321268.2); c.843G>T, p.Arg281= (NM_001321269.2, NM_001330397.2, NM_001411113.1).
Identifiers: ClinVar variation 2928868 (VCV002928868.4), dbSNP rs1968965281, ClinGen allele CA501032096.
Genomic context (GRCh38, chr17:58,212,997, plus strand): 5'-CACTGAGGCTCATCCCTTGGATACTTGGAATGAACTTGCGCTTACATCCTTGAACACTCG[C>A]CGTTCCCGCTCCTCCTCCTCCGGCTGTGCGTGGGGGGAAACATTGTCGATCGTATATTTC-3'
Protein context (NP_060247.2, residues 271-291): HAQPEEEERE[Arg281=]RVFKDLYGRH